The following is an entry in ClinVar:

ClinVar aggregate classification (germline): Uncertain significance (1 of 4 stars; one submission).

Conditions:
Tuberous sclerosis 1 (TSC1). Identifiers: Orphanet 805, MedGen C1854465, MONDO:0008612, OMIM 191100.

Submission:

Labcorp Genetics (formerly Invitae), Labcorp
Classification: Uncertain significance for Tuberous sclerosis 1. Last evaluated: 2025-10-23. Review status: criteria provided, single submitter. Criteria: Invitae Variant Classification Sherloc (09022015). Collection method: clinical testing. Allele origin: germline.
Comment: This sequence change replaces valine, which is neutral and non-polar, with alanine, which is neutral and non-polar, at codon 831 of the TSC1 protein (p.Val831Ala). This variant is not present in population databases (gnomAD no frequency). This variant has not been reported in the literature in individuals affected with TSC1-related conditions. Invitae Evidence Modeling of protein sequence and biophysical properties (such as structural, functional, and spatial information, amino acid conservation, physicochemical variation, residue mobility, and thermodynamic stability) indicates that this missense variant is not expected to disrupt TSC1 protein function with a negative predictive value of 95%. In summary, the available evidence is currently insufficient to determine the role of this variant in disease. Therefore, it has been classified as a Variant of Uncertain Significance.

NM_000368.5(TSC1):c.2492T>C (p.Val831Ala)

Gene: TSC1 (TSC complex subunit 1; minus strand). Cytogenetic location: 9q34.13.
Variant type: single nucleotide variant.
Coding change: c.2492T>C on transcript NM_000368.5 (MANE Select); coding-DNA position 2492, T replaced by C.
Protein change: p.Val831Ala; replaces valine 831 with alanine.
Molecular consequence: missense variant. On other transcripts: non-coding transcript variant (5), intron variant (8).
Genome position (GRCh38, 1-based): chr9:132,901,599, A>G on the plus strand (T>C on the coding strand, the complement: TSC1 is on the minus strand). VCF-style: chr9-132901599-A-G. GRCh37 (hg19) VCF-style: chr9-135776986-A-G.
Other names: c.2129T>C, p.Val710Ala (NM_001406619.1, NM_001362177.2, NM_001406614.1 and 4 more transcripts); c.2126T>C, p.Val709Ala (NM_001406620.1, NM_001406621.1, NM_001406622.1 and 1 more transcripts); c.1541T>C, p.Val514Ala (NM_001406626.1); c.1538T>C, p.Val513Ala (NM_001406627.1, NM_001406628.1); c.1439T>C, p.Val480Ala (NM_001406629.1, NM_001406630.1); c.2489T>C, p.Val830Ala (NM_001162426.2, NM_001406597.1, NM_001406598.1 and 2 more transcripts); c.2339T>C, p.Val780Ala (NM_001162427.2, NM_001406610.1); c.2492T>C, p.Val831Ala (NM_001406592.1, NM_001406593.1, NM_001406594.1 and 2 more transcripts); and 8 more; short protein forms V709A, V779A, V830A, V710A, V513A, V514A, V831A, V480A.
Identifiers: ClinVar variation 4709652 (VCV004709652.1).